The following is an entry in ClinVar:

NM_000548.5(TSC2):c.2852G>A (p.Arg951Lys)

Gene: TSC2 (TSC complex subunit 2; plus strand). Cytogenetic location: 16p13.3.
Variant type: single nucleotide variant.
Coding change: c.2852G>A on transcript NM_000548.5 (MANE Select); coding-DNA position 2852, G replaced by A.
Protein change: p.Arg951Lys; replaces arginine 951 with lysine.
Molecular consequence: missense variant. On other transcripts: intron variant (9).
Genome position (GRCh38, 1-based): chr16:2,077,612, G>A. VCF-style: chr16-2077612-G-A. GRCh37 (hg19) VCF-style: chr16-2127613-G-A.
Other names: c.2852G>A, p.Arg951Lys (NM_001114382.3, NM_001406663.1, NM_001406664.1); c.2741G>A, p.Arg914Lys (NM_001406670.1); c.2705G>A, p.Arg902Lys (NM_001406675.1, NM_001406676.1); c.2252G>A, p.Arg751Lys (NM_001406680.1, NM_001406682.1, NM_001406683.1 and 1 more transcripts); c.1508G>A, p.Arg503Lys (NM_001406689.1); c.2837+1027G>A (NM_021055.3, NM_001370405.1, NM_001363528.2 and 2 more transcripts); c.2726+1027G>A (NM_001318827.2); c.2237+1027G>A (NM_001318831.2); and 2 more; short protein forms R503K, R751K, R902K, R914K, R951K.
Identifiers: ClinVar variation 1719172 (VCV001719172.5), dbSNP rs1216438701, ClinGen allele CA394280789.

ClinVar aggregate classification (germline): Uncertain significance (1 of 4 stars; one submission).

Conditions:
Tuberous sclerosis 2 (TSC2). Identifiers: Orphanet 805, MedGen C1860707, MONDO:0013199, OMIM 613254.

Allele frequency attached by ClinVar (database versions not stated): gnomAD exomes below 0.00001.
gnomAD v4.1: 1 of 1,613,174 alleles (0.000062%); highest among the groups gnomAD compares: African/African-American, 0.0013%; no homozygotes.

Submission:

Labcorp Genetics (formerly Invitae), Labcorp
Classification: Uncertain significance for Tuberous sclerosis 2. Last evaluated: 2025-11-05. Review status: criteria provided, single submitter. Criteria: Invitae Variant Classification Sherloc (09022015). Collection method: clinical testing. Allele origin: germline.
Comment: This sequence change replaces arginine, which is basic and polar, with lysine, which is basic and polar, at codon 951 of the TSC2 protein (p.Arg951Lys). This variant is present in population databases (no rsID available, gnomAD 0.007%). This variant has not been reported in the literature in individuals affected with TSC2-related conditions. ClinVar contains an entry for this variant (Variation ID: 1719172). Invitae Evidence Modeling of protein sequence and biophysical properties (such as structural, functional, and spatial information, amino acid conservation, physicochemical variation, residue mobility, and thermodynamic stability) indicates that this missense variant is not expected to disrupt TSC2 protein function with a negative predictive value of 95%. In summary, the available evidence is currently insufficient to determine the role of this variant in disease. Therefore, it has been classified as a Variant of Uncertain Significance.